The following is an entry in ClinVar:

NM_001330700.2(TOP2B):c.4208C>G (p.Thr1403Arg)

Gene: TOP2B (DNA topoisomerase II beta; minus strand). Cytogenetic location: 3p24.2.
Variant type: single nucleotide variant.
Coding change: c.4208C>G on transcript NM_001330700.2 (MANE Select); coding-DNA position 4208, C replaced by G.
Protein change: p.Thr1403Arg; replaces threonine 1403 with arginine.
Molecular consequence: missense variant.
Genome position (GRCh38, 1-based): chr3:25,607,261, G>C on the plus strand (C>G on the coding strand, the complement: TOP2B is on the minus strand). VCF-style: chr3-25607261-G-C. GRCh37 (hg19) VCF-style: chr3-25648752-G-C.
Other names: c.4193C>G, p.Thr1398Arg (NM_001068.3); c.4193C>G (NM_001068.2); short protein forms T1398R, T1403R.
Identifiers: ClinVar variation 992296 (VCV000992296.9), dbSNP rs1343214280, ClinGen allele CA351892446.

ClinVar aggregate classification (germline): Uncertain significance. Review status: criteria provided, multiple submitters, no conflicts (2 of 4 stars). 3 submissions from 3 submitters: Uncertain significance (3). Last evaluated 2025-09-01.

Allele frequency attached by ClinVar (database versions not stated): TOPMed below 0.00001; gnomAD 0.00001.
gnomAD v4.1: 2 of 1,592,160 alleles (0.00013%); highest among the groups gnomAD compares: Non-Finnish European, 0.00017%; no homozygotes.

Submissions (3):

Ambry Genetics
Classification: Uncertain significance. Last evaluated: 2025-09-01. Review status: criteria provided, single submitter. Criteria: Ambry Variant Classification Scheme 2023. Collection method: clinical testing. Allele origin: germline.

Labcorp Genetics (formerly Invitae), Labcorp
Classification: Uncertain significance. Last evaluated: 2025-02-11. Review status: criteria provided, single submitter. Criteria: Invitae Variant Classification Sherloc (09022015). Collection method: clinical testing. Allele origin: germline.
Comment: This sequence change replaces threonine, which is neutral and polar, with arginine, which is basic and polar, at codon 1398 of the TOP2B protein (p.Thr1398Arg). This variant is not present in population databases (gnomAD no frequency). This variant has not been reported in the literature in individuals affected with TOP2B-related conditions. ClinVar contains an entry for this variant (Variation ID: 992296). An algorithm developed to predict the effect of missense changes on protein structure and function (PolyPhen-2) suggests that this variant is likely to be tolerated. In summary, the available evidence is currently insufficient to determine the role of this variant in disease. Therefore, it has been classified as a Variant of Uncertain Significance.

Greenwood Genetic Center Diagnostic Laboratories, Greenwood Genetic Center
Classification: Uncertain significance. Last evaluated: 2020-08-11. Review status: criteria provided, single submitter. Criteria: ACMG Guidelines, 2015. Collection method: clinical testing. Allele origin: germline. Affected: yes.